The following is an entry in ClinVar:

NM_002095.6(GTF2E2):c.394G>A (p.Val132Ile)

Gene: GTF2E2 (general transcription factor IIE subunit 2; minus strand). Cytogenetic location: 8p12.
Variant type: single nucleotide variant.
Coding change: c.394G>A on transcript NM_002095.6 (MANE Select); coding-DNA position 394, G replaced by A.
Protein change: p.Val132Ile; replaces valine 132 with isoleucine.
Molecular consequence: missense variant.
Genome position (GRCh38, 1-based): chr8:30,612,454, C>T on the plus strand (G>A on the coding strand, the complement: GTF2E2 is on the minus strand). VCF-style: chr8-30612454-C-T. GRCh37 (hg19) VCF-style: chr8-30469971-C-T.
Other names: c.394G>A, p.Val132Ile (NM_001348353.1); short protein forms V132I.
Identifiers: ClinVar variation 2978272 (VCV002978272.3), dbSNP rs763708188, ClinGen allele CA4700974.

ClinVar aggregate classification (germline): Uncertain significance (1 of 4 stars; one submission).

Allele frequency attached by ClinVar (database versions not stated): TOPMed below 0.00001; gnomAD 0.00001; gnomAD exomes 0.00001; ExAC 0.00005.
gnomAD v4.1: 13 of 1,611,318 alleles (0.00081%); highest among the groups gnomAD compares: South Asian, 0.0033%; no homozygotes.

Submission:

Labcorp Genetics (formerly Invitae), Labcorp
Classification: Uncertain significance. Last evaluated: 2024-12-09. Review status: criteria provided, single submitter. Criteria: Invitae Variant Classification Sherloc (09022015). Collection method: clinical testing. Allele origin: germline.
Comment: This sequence change replaces valine, which is neutral and non-polar, with isoleucine, which is neutral and non-polar, at codon 132 of the GTF2E2 protein (p.Val132Ile). This variant is present in population databases (rs763708188, gnomAD 0.007%). This variant has not been reported in the literature in individuals affected with GTF2E2-related conditions. ClinVar contains an entry for this variant (Variation ID: 2978272). Invitae Evidence Modeling of protein sequence and biophysical properties (such as structural, functional, and spatial information, amino acid conservation, physicochemical variation, residue mobility, and thermodynamic stability) indicates that this missense variant is not expected to disrupt GTF2E2 protein function with a negative predictive value of 80%. In summary, the available evidence is currently insufficient to determine the role of this variant in disease. Therefore, it has been classified as a Variant of Uncertain Significance.